The following is an entry in ClinVar:

ClinVar aggregate classification (germline): Benign/Likely benign. Review status: criteria provided, multiple submitters, no conflicts (2 of 4 stars). 2 submissions from 2 submitters: Benign (1); Likely benign (1). Last evaluated 2023-01-01.

Allele frequency attached by ClinVar (database versions not stated): 1000 Genomes Project 30x 0.00234; 1000 Genomes Project 0.00260; TOPMed 0.00437; ESP Exome Variant Server 0.00453; gnomAD exomes 0.00473 and 0.00768; gnomAD 0.00542 and 0.00574; ExAC 0.00681.

Submissions (2):

CeGaT Center for Human Genetics Tuebingen
Classification: Likely benign. Last evaluated: 2023-01-01. Review status: criteria provided, single submitter. Criteria: CeGaT Center For Human Genetics Tuebingen Variant Classification Criteria Version 2. Collection method: clinical testing. Allele origin: germline. Affected: yes. Observed: 1 variant allele.
Comment: TTBK1: BP4, BS2

Labcorp Genetics (formerly Invitae), Labcorp
Classification: Benign. Last evaluated: 2018-07-13. Review status: criteria provided, single submitter. Criteria: Invitae Variant Classification Sherloc (09022015). Collection method: clinical testing. Allele origin: germline.

NM_032538.3(TTBK1):c.1838C>T (p.Pro613Leu)

Gene: TTBK1 (tau tubulin kinase 1; plus strand). Cytogenetic location: 6p21.1.
Variant type: single nucleotide variant.
Coding change: c.1838C>T on transcript NM_032538.3 (MANE Select); coding-DNA position 1838, C replaced by T.
Protein change: p.Pro613Leu; replaces proline 613 with leucine.
Molecular consequence: missense variant.
Genome position (GRCh38, 1-based): chr6:43,263,202, C>T. VCF-style: chr6-43263202-C-T. GRCh37 (hg19) VCF-style: chr6-43230940-C-T.
Other names: short protein forms P613L.
Identifiers: ClinVar variation 781630 (VCV000781630.27), dbSNP rs34993661, ClinGen allele CA3819675.
Genomic context (GRCh38, chr6:43,263,202, plus strand): 5'-TCCGGCCCCGGGGACGCAGCATGCAGGCGCTGGCGGAGGAGGACCTGCAGCATTTGCCGC[C>T]CCAGCCCCTGCCACCCCAGCTGAGCCAGGGCGATGGCCGTTCCGAGACGTCACAGCCCCC-3'
Protein context (NP_115927.1, residues 603-623): LAEEDLQHLP[Pro613Leu]QPLPPQLSQG